The following is an entry in ClinVar:

ClinVar aggregate classification (germline): Conflicting classifications of pathogenicity. Review status: criteria provided, conflicting classifications (1 of 4 stars). 4 submissions from 4 submitters: Uncertain significance (1); Likely benign (2). 1 of the submissions does not count toward it. Last evaluated 2026-01-19.

Conditions:
PJVK-related disorder. Also called: PJVK-related condition.

Allele frequency attached by ClinVar (database versions not stated): ExAC 0.00020; gnomAD exomes 0.00022; 1000 Genomes Project 0.00040; 1000 Genomes Project 30x 0.00078; ESP Exome Variant Server 0.00092; TOPMed 0.00094.
gnomAD v4.1: 222 of 1,614,106 alleles (0.014%); highest among the groups gnomAD compares: African/African-American, 0.26%; no homozygotes.

Submissions (4):

Labcorp Genetics (formerly Invitae), Labcorp
Classification: Likely benign. Last evaluated: 2026-01-19. Review status: criteria provided, single submitter. Criteria: Invitae Variant Classification Sherloc (09022015). Collection method: clinical testing. Allele origin: germline.

Blueprint Genetics
Classification: Uncertain significance. Last evaluated: 2024-11-25. Review status: criteria provided, single submitter. Criteria: ACMG Guidelines, 2015. Collection method: clinical testing. Allele origin: germline.

GeneDx
Classification: Likely benign. Last evaluated: 2020-05-18. Review status: criteria provided, single submitter. Criteria: GeneDx Variant Classification Process June 2021. Collection method: clinical testing. Allele origin: germline. Affected: yes.

PreventionGenetics, part of Exact Sciences
Classification: Likely benign for PJVK-related condition. Last evaluated: 2024-09-25. Review status: no assertion criteria provided. Collection method: clinical testing. Allele origin: germline. Not counted in ClinVar's aggregate classification.
Comment: This variant is classified as likely benign based on ACMG/AMP sequence variant interpretation guidelines (Richards et al. 2015 PMID: 25741868, with internal and published modifications).

NM_001042702.5(PJVK):c.87C>A (p.Asp29Glu)

Gene: PJVK (pejvakin; plus strand). Cytogenetic location: 2q31.2.
Variant type: single nucleotide variant.
Coding change: c.87C>A on transcript NM_001042702.5 (MANE Select); coding-DNA position 87, C replaced by A.
Protein change: p.Asp29Glu; replaces aspartic acid 29 with glutamic acid.
Molecular consequence: missense variant. On other transcripts: 5 prime UTR variant (1), intron variant (1).
Genome position (GRCh38, 1-based): chr2:178,453,496, C>A. VCF-style: chr2-178453496-C-A. GRCh37 (hg19) VCF-style: chr2-179318223-C-A.
Other names: c.96C>A, p.Asp32Glu (NM_001353775.2); c.192C>A, p.Asp64Glu (NM_001353776.2); c.-391C>A (NM_001353778.2); c.87C>A, p.Asp29Glu (NM_001369912.1); c.-334-57C>A (NM_001353777.1); short protein forms D29E, D32E, D64E.
Identifiers: ClinVar variation 1197111 (VCV001197111.12), dbSNP rs201772080, ClinGen allele CA1984120.